The following is an entry in ClinVar:

NM_213599.3(ANO5):c.648+4275A>C

Gene: ANO5 (anoctamin 5; plus strand). Cytogenetic location: 11p14.3.
Variant type: single nucleotide variant.
Coding change: c.648+4275A>C on transcript NM_213599.3 (MANE Select); 4275 bases into the intron after coding-DNA position 648, A replaced by C.
Molecular consequence: intron variant.
Genome position (GRCh38, 1-based): chr11:22,231,861, A>C. VCF-style: chr11-22231861-A-C. GRCh37 (hg19) VCF-style: chr11-22253407-A-C.
Other names: c.606+4275A>C (NM_001410963.1); c.645+4275A>C (NM_001142649.2); c.603+4275A>C (NM_001410964.1).
Identifiers: ClinVar variation 3338147 (VCV003338147.1).

ClinVar aggregate classification (germline): Uncertain significance (0 of 4 stars; one submission).

Conditions:
Muscle tissue disorder. Also called: muscle disorder; Muscle tissue disease; Muscle disorders; Muscular disease. Identifiers: MedGen CN294483, MONDO:0003939.

gnomAD v4.1: 2 of 152,026 alleles (0.0013%); highest among the groups gnomAD compares: Non-Finnish European, 0.0029%; no homozygotes.

Submission:

Joint Genome Diagnostic Labs from Nijmegen and Maastricht, Radboudumc and MUMC+
Classification: Uncertain significance for muscle disorder. Review status: no assertion criteria provided. Collection method: clinical testing. Allele origin: germline. Affected: yes.